The following is an entry in ClinVar:

NM_153252.5(BRWD3):c.1696C>T (p.Arg566Cys)

Gene: BRWD3 (bromodomain and WD repeat domain containing 3; minus strand). Cytogenetic location: Xq21.1.
Variant type: single nucleotide variant.
Coding change: c.1696C>T on transcript NM_153252.5 (MANE Select); coding-DNA position 1696, C replaced by T.
Protein change: p.Arg566Cys; replaces arginine 566 with cysteine.
Molecular consequence: missense variant.
Genome position (GRCh38, 1-based): chrX:80,722,742, G>A on the plus strand (C>T on the coding strand, the complement: BRWD3 is on the minus strand). VCF-style: chrX-80722742-G-A. GRCh37 (hg19) VCF-style: chrX-79978241-G-A.
Other names: short protein forms R566C.
Identifiers: ClinVar variation 2499145 (VCV002499145.31), dbSNP rs1315684063, ClinGen allele CA413634566.

ClinVar aggregate classification (germline): Uncertain significance. Review status: criteria provided, multiple submitters, no conflicts (2 of 4 stars). 2 submissions from 2 submitters: Uncertain significance (2). Last evaluated 2023-01-01.

Allele frequency attached by ClinVar (database versions not stated): gnomAD exomes below 0.00001; TOPMed below 0.00001.
gnomAD v4.1: 5 of 1,210,696 alleles (0.00041%); highest among the groups gnomAD compares: Non-Finnish European, 0.00056%; no homozygotes.

Submissions (2):

CeGaT Center for Human Genetics Tuebingen
Classification: Uncertain significance. Last evaluated: 2023-01-01. Review status: criteria provided, single submitter. Criteria: CeGaT Center For Human Genetics Tuebingen Variant Classification Criteria Version 2. Collection method: clinical testing. Allele origin: germline. Affected: yes. Observed: 1 variant allele.
Comment: BRWD3: PP2

Labcorp Genetics (formerly Invitae), Labcorp
Classification: Uncertain significance. Last evaluated: 2022-12-13. Review status: criteria provided, single submitter. Criteria: Invitae Variant Classification Sherloc (09022015). Collection method: clinical testing. Allele origin: germline.
Comment: In summary, the available evidence is currently insufficient to determine the role of this variant in disease. Therefore, it has been classified as a Variant of Uncertain Significance. Advanced modeling of protein sequence and biophysical properties (such as structural, functional, and spatial information, amino acid conservation, physicochemical variation, residue mobility, and thermodynamic stability) performed at Invitae indicates that this missense variant is expected to disrupt BRWD3 protein function. This variant has not been reported in the literature in individuals affected with BRWD3-related conditions. This variant is present in population databases (no rsID available, gnomAD 0.001%), including at least one homozygous and/or hemizygous individual. This sequence change replaces arginine, which is basic and polar, with cysteine, which is neutral and slightly polar, at codon 566 of the BRWD3 protein (p.Arg566Cys).